The following is an entry in ClinVar:

ClinVar aggregate classification (germline): Uncertain significance (1 of 4 stars; one submission).

Conditions:
Insulin-dependent diabetes mellitus secretory diarrhea syndrome (IPEX). Also called: IMMUNODEFICIENCY, POLYENDOCRINOPATHY, AND ENTEROPATHY, X-LINKED; Immunodysregulation, polyendocrinopathy, and enteropathy, X-linked; IPEX and IPEX-Like; X-Linked Autoimmunity-Allergic Dysregulation Syndrome; DIABETES MELLITUS, CONGENITAL INSULIN-DEPENDENT, WITH FATAL SECRETORY DIARRHEA; DIARRHEA, POLYENDOCRINOPATHY, FATAL INFECTION SYNDROME, X-LINKED. Identifiers: Orphanet 37042, MedGen C0342288, MONDO:0010580, OMIM 304790. Disease mechanism: loss of function.

Allele frequency attached by ClinVar (database versions not stated): TOPMed below 0.00001.

Submission:

Labcorp Genetics (formerly Invitae), Labcorp
Classification: Uncertain significance for Insulin-dependent diabetes mellitus secretory diarrhea syndrome. Last evaluated: 2025-06-12. Review status: criteria provided, single submitter. Criteria: Invitae Variant Classification Sherloc (09022015). Collection method: clinical testing. Allele origin: germline.
Comment: This variant occurs in a non-coding region of the FOXP3 gene. It does not change the encoded amino acid sequence of the FOXP3 protein. It affects a nucleotide within the consensus splice site. The frequency data for this variant in the population databases is considered unreliable, as metrics indicate insufficient coverage at this position in the gnomAD database. This variant has not been reported in the literature in individuals affected with FOXP3-related conditions. ClinVar contains an entry for this variant (Variation ID: 2083959). Variants that disrupt the consensus splice site are a relatively common cause of aberrant splicing (PMID: 17576681, 9536098). Algorithms developed to predict the effect of sequence changes on RNA splicing suggest that this variant is not likely to affect RNA splicing. In summary, the available evidence is currently insufficient to determine the role of this variant in disease. Therefore, it has been classified as a Variant of Uncertain Significance.

Literature cited by the submitters: PubMed 17576681; PubMed 9536098.

NM_014009.4(FOXP3):c.-23+3G>A

Gene: FOXP3 (forkhead box P3; minus strand). Cytogenetic location: Xp11.23.
Variant type: single nucleotide variant.
Coding change: c.-23+3G>A on transcript NM_014009.4 (MANE Select); 3 bases into the intron after 23 bases upstream of the start codon, G replaced by A.
Molecular consequence: intron variant.
Genome position (GRCh38, 1-based): chrX:49,264,658, C>T on the plus strand (G>A on the coding strand, the complement: FOXP3 is on the minus strand). VCF-style: chrX-49264658-C-T. GRCh37 (hg19) VCF-style: chrX-49121120-C-T.
Other names: c.-23+3G>A (NM_001114377.2).
Identifiers: ClinVar variation 2083959 (VCV002083959.4), dbSNP rs1317248002, ClinGen allele CA875964405.
Genomic context (GRCh38, chrX:49,264,658, plus strand): 5'-CTACCTCCCTGCCATCTCCTCCAATGGGGCCCACATCTGGTAGGGGAGAGCAGGGACACT[C>T]ACCTTGGTGAAGTGGACTGACAGAAAAGGATCAGCCTGGCTTGTGGGAAACTGTCACGTA-3'